The following is an entry in ClinVar:

ClinVar aggregate classification (germline): Conflicting classifications of pathogenicity. Review status: criteria provided, conflicting classifications (1 of 4 stars). 5 submissions from 5 submitters: Uncertain significance (4); Likely benign (1). Last evaluated 2026-05-01.

Conditions:
Beck-Fahrner syndrome (BEFAHRS). Identifiers: Orphanet 684216, MedGen C5394097, MONDO:0032922, OMIM 618798.
Inborn genetic diseases. Identifiers: MedGen C0950123, MeSH D030342.

Allele frequency attached by ClinVar (database versions not stated): ESP Exome Variant Server 0.00033.
gnomAD v4.1: 607 of 1,612,452 alleles (0.038%); highest among the groups gnomAD compares: Non-Finnish European, 0.048%; no homozygotes.

Submissions (5):

CeGaT Center for Human Genetics Tuebingen
Classification: Likely benign. Last evaluated: 2026-05-01. Review status: criteria provided, single submitter. Criteria: CeGaT Center For Human Genetics Tuebingen Variant Classification Criteria Version 2. Collection method: clinical testing. Allele origin: germline. Affected: yes. Observed: 1 variant allele.
Comment: TET3: BP4

GeneDx
Classification: Uncertain significance. Last evaluated: 2024-12-25. Review status: criteria provided, single submitter. Criteria: GeneDx Variant Classification Process June 2021. Collection method: clinical testing. Allele origin: germline. Affected: yes.
Comment: In silico analysis supports that this missense variant has a deleterious effect on protein structure/function; Has not been previously published as pathogenic or benign to our knowledge

ARUP Laboratories, Molecular Genetics and Genomics, ARUP Laboratories
Classification: Uncertain significance for Beck-Fahrner syndrome. Last evaluated: 2023-12-22. Review status: criteria provided, single submitter. Criteria: ARUP Molecular Germline Variant Investigation Process 2024. Collection method: clinical testing. Allele origin: germline.

Fulgent Genetics
Classification: Uncertain significance for Beck-Fahrner syndrome. Last evaluated: 2022-02-24. Review status: criteria provided, single submitter. Criteria: ACMG Guidelines, 2015. Collection method: clinical testing. Allele origin: unknown.

Ambry Genetics
Classification: Uncertain significance for Inborn genetic diseases. Last evaluated: 2021-04-07. Review status: criteria provided, single submitter. Criteria: Ambry Variant Classification Scheme 2023. Collection method: clinical testing. Allele origin: germline.
Comment: Unlikely to be causative of Beck-Fahrner syndrome (AD) Based on insufficient or conflicting evidence, the clinical significance of this alteration remains unclear.

NM_001287491.2(TET3):c.1496C>T (p.Pro499Leu)

Gene: TET3 (tet methylcytosine dioxygenase 3; plus strand). Cytogenetic location: 2p13.1.
Variant type: single nucleotide variant.
Coding change: c.1496C>T on transcript NM_001287491.2 (MANE Select); coding-DNA position 1496, C replaced by T.
Protein change: p.Pro499Leu; replaces proline 499 with leucine.
Molecular consequence: missense variant.
Genome position (GRCh38, 1-based): chr2:74,047,413, C>T. VCF-style: chr2-74047413-C-T. GRCh37 (hg19) VCF-style: chr2-74274540-C-T.
Other names: c.1217C>T, p.Pro406Leu (NM_001366022.1); c.1091C>T (NM_144993.1); short protein forms P406L, P499L.
Identifiers: ClinVar variation 1313607 (VCV001313607.8), dbSNP rs200362611, ClinGen allele CA1718619.